The following is an entry in ClinVar:

ClinVar aggregate classification (germline): Uncertain significance (1 of 4 stars; one submission).

Conditions:
Amyotrophic lateral sclerosis type 1 (ALS1). Also called: AMYOTROPHIC LATERAL SCLEROSIS 1, FAMILIAL. Identifiers: Orphanet 803, MedGen C1862939, MONDO:0007103, OMIM 105400.
Neuronopathy, distal hereditary motor, type 7B. Also called: HMN VIIB; LOWER MOTOR NEURON DISEASE, DYNACTIN TYPE; NEURONOPATHY, DISTAL HEREDITARY MOTOR, AUTOSOMAL DOMINANT 14; NEURONOPATHY, DISTAL HEREDITARY MOTOR, HARDING TYPE VIIB; NEUROPATHY, DISTAL HEREDITARY MOTOR, HARDING TYPE VIIB; NEUROPATHY, DISTAL HEREDITARY MOTOR, WITH VOCAL CORD PARALYSIS, HARDING TYPE VIIB. Identifiers: Orphanet 139589, MedGen C1843315, MONDO:0011879, OMIM 607641.
Perry syndrome. Also called: PARKINSONISM WITH ALVEOLAR HYPOVENTILATION AND MENTAL DEPRESSION. Identifiers: Orphanet 178509, MedGen C1868594, MONDO:0008201, OMIM 168605.

Submission:

Labcorp Genetics (formerly Invitae), Labcorp
Classification: Uncertain significance for Amyotrophic lateral sclerosis type 1; Neuronopathy, distal hereditary motor, type 7B; Perry syndrome. Last evaluated: 2024-11-24. Review status: criteria provided, single submitter. Criteria: Invitae Variant Classification Sherloc (09022015). Collection method: clinical testing. Allele origin: germline.
Comment: This sequence change replaces leucine, which is neutral and non-polar, with phenylalanine, which is neutral and non-polar, at codon 720 of the DCTN1 protein (p.Leu720Phe). This variant is not present in population databases (gnomAD no frequency). This variant has not been reported in the literature in individuals affected with DCTN1-related conditions. Invitae Evidence Modeling of protein sequence and biophysical properties (such as structural, functional, and spatial information, amino acid conservation, physicochemical variation, residue mobility, and thermodynamic stability) has been performed for this missense variant. However, the output from this modeling did not meet the statistical confidence thresholds required to predict the impact of this variant on DCTN1 protein function. In summary, the available evidence is currently insufficient to determine the role of this variant in disease. Therefore, it has been classified as a Variant of Uncertain Significance.

NM_004082.5(DCTN1):c.2158C>T (p.Leu720Phe)

Gene: DCTN1 (dynactin subunit 1; minus strand). Cytogenetic location: 2p13.1.
Variant type: single nucleotide variant.
Coding change: c.2158C>T on transcript NM_004082.5 (MANE Select); coding-DNA position 2158, C replaced by T.
Protein change: p.Leu720Phe; replaces leucine 720 with phenylalanine.
Molecular consequence: missense variant. On other transcripts: non-coding transcript variant (1).
Genome position (GRCh38, 1-based): chr2:74,367,722, G>A on the plus strand (C>T on the coding strand, the complement: DCTN1 is on the minus strand). VCF-style: chr2-74367722-G-A. GRCh37 (hg19) VCF-style: chr2-74594849-G-A.
Other names: c.2098C>T, p.Leu700Phe (NM_001135040.3); c.1756C>T, p.Leu586Phe (NM_001135041.3, NM_023019.4); c.2047C>T, p.Leu683Phe (NM_001190836.2); c.2137C>T, p.Leu713Phe (NM_001190837.2); c.2107C>T, p.Leu703Phe (NM_001378991.1); c.2089C>T, p.Leu697Phe (NM_001378992.1); short protein forms L586F, L683F, L697F, L700F, L703F, L713F, L720F.
Identifiers: ClinVar variation 3759030 (VCV003759030.2).